The following is an entry in ClinVar:

NM_020699.4(GATAD2B):c.980_981del (p.Gly327fs)

Gene: GATAD2B (GATA zinc finger domain containing 2B; minus strand). Cytogenetic location: 1q21.3.
Variant type: Deletion.
Coding change: c.980_981del on transcript NM_020699.4 (MANE Select); coding-DNA positions 980 to 981, 2 bases deleted (GG; older notation c.980_981delGG).
Protein change: p.Gly327fs; shifts the reading frame from glycine 327.
Molecular consequence: frameshift variant.
Genome position (GRCh38, 1-based): chr1:153,816,508-153,816,509, CC deleted on the plus strand (GG on the coding strand, the reverse complement: GATAD2B is on the minus strand); deleting any 2 consecutive bases within chr1:153,816,508-153,816,510 gives the same sequence; the c. name uses the placement nearest the transcript's 3' end. VCF-style (leftmost placement, unchanged base first): chr1-153816507-TCC-T. GRCh37 (hg19) VCF-style: chr1-153788983-TCC-T.
Other names: short protein forms G327fs.
Identifiers: ClinVar variation 1333459 (VCV001333459.1), dbSNP rs797045594, ClinGen allele CA2573051372.

ClinVar aggregate classification (germline): Likely pathogenic (1 of 4 stars; one submission).

Conditions:
Severe intellectual disability-poor language-strabismus-grimacing face-long fingers syndrome (GAND). Also called: GAND SYNDROME. Identifiers: Orphanet 363686, MedGen C3554448, MONDO:0014034, OMIM 615074.

Submission:

3billion
Classification: Likely pathogenic for Severe intellectual disability-poor language-strabismus-grimacing face-long fingers syndrome. Last evaluated: 2022-01-03. Review status: criteria provided, single submitter. Criteria: ACMG Guidelines, 2015. Collection method: clinical testing. Allele origin: germline. Affected: yes. Observed: 1 heterozygote.
Comment: Frameshift: predicted to result in a loss or disruption of normal protein function through nonsense-mediated decay (NMD) or protein truncation. Multiple pathogenic variants are reported downstream of the variant (PVS1_VS). It is not observed in the gnomAD v2.1.1 dataset (PM2_M). Therefore, this variant is classified as likely pathogenic according to the recommendation of ACMG/AMP guideline.